The following is an entry in ClinVar:

NM_000552.5(VWF):c.4816A>G (p.Met1606Val)

Gene: VWF (von Willebrand factor; minus strand). Cytogenetic location: 12p13.31.
Variant type: single nucleotide variant.
Coding change: c.4816A>G on transcript NM_000552.5 (MANE Select); coding-DNA position 4816, A replaced by G.
Protein change: p.Met1606Val; replaces methionine 1606 with valine.
Molecular consequence: missense variant.
Genome position (GRCh38, 1-based): chr12:6,018,602, T>C on the plus strand (A>G on the coding strand, the complement: VWF is on the minus strand). VCF-style: chr12-6018602-T-C. GRCh37 (hg19) VCF-style: chr12-6127768-T-C.
Other names: short protein forms M1606V.
Identifiers: ClinVar variation 4879482 (VCV004879482.1).

ClinVar aggregate classification (germline): Uncertain significance (1 of 4 stars; one submission).

Conditions:
von Willebrand disease type 1 (VWD1). Also called: VWD, TYPE 1; VON WILLEBRAND DISEASE, TYPE I. Identifiers: Orphanet 166078, Orphanet 903, MedGen C1264039, MONDO:0008668, OMIM 193400. Inheritance: autosomal recessive or autosomal dominant.
von Willebrand disease type 3 (VWD3). Also called: Type 3 Von Willebrand's disease; Type 3 VWD; Von Willebrand disease, severe form; V WD3; VON WILLEBRAND DISEASE, TYPE III. Identifiers: Orphanet 166096, MedGen C1264041, MONDO:0010191, OMIM 277480.
von Willebrand disease type 2 (VWD2). Also called: VON WILLEBRAND DISEASE, TYPE 2A/IIE; VON WILLEBRAND DISEASE, TYPE 2CB; VWD, TYPE 2; VON WILLEBRAND DISEASE, TYPE II. Identifiers: Orphanet 166081, Orphanet 903, MedGen C1264040, MONDO:0013304, OMIM 613554.

Submission:

Clinical Genomics Laboratory, Washington University in St. Louis
Classification: Uncertain significance for von Willebrand disease type 1; von Willebrand disease type 2; von Willebrand disease type 3. Last evaluated: 2026-02-01. Review status: criteria provided, single submitter. Criteria: ACMG Guidelines, 2015. Collection method: clinical testing. Allele origin: germline.
Comment: The VWF c.4816A>G (p.Met1606Val) variant, to our knowledge, has not been reported in the medical literature. This variant is only observed in 8/1614076 alleles in the general population (gnomAD v4.1.0), indicating it is not a common variant. Computational predictors are uncertain as to the impact of this variant on VWF function. Due to limited information, and based on the ClinGen von Willebrand Disease Expert Panel Specifications to the ACMG/AMP Variant Interpretation Guidelines for VWF Version 1.0.0 the clinical significance of this variant is uncertain at this time.